The following is an entry in ClinVar:

ClinVar aggregate classification (germline): Uncertain significance (1 of 4 stars; one submission).

Allele frequency attached by ClinVar (database versions not stated): gnomAD exomes below 0.00001; gnomAD 0.00003; TOPMed 0.00003.
gnomAD v4.1: 10 of 1,614,108 alleles (0.00062%); highest among the groups gnomAD compares: African/African-American, 0.0053%; no homozygotes.

Submission:

Labcorp Genetics (formerly Invitae), Labcorp
Classification: Uncertain significance. Last evaluated: 2025-03-23. Review status: criteria provided, single submitter. Criteria: Invitae Variant Classification Sherloc (09022015). Collection method: clinical testing. Allele origin: germline.
Comment: This sequence change replaces arginine, which is basic and polar, with glutamine, which is neutral and polar, at codon 603 of the KIF20A protein (p.Arg603Gln). This variant is present in population databases (rs564669414, gnomAD 0.01%). This variant has not been reported in the literature in individuals affected with KIF20A-related conditions. ClinVar contains an entry for this variant (Variation ID: 2182421). An algorithm developed to predict the effect of missense changes on protein structure and function (PolyPhen-2) suggests that this variant is likely to be tolerated. In summary, the available evidence is currently insufficient to determine the role of this variant in disease. Therefore, it has been classified as a Variant of Uncertain Significance.

NM_005733.3(KIF20A):c.1808G>A (p.Arg603Gln)

Gene: KIF20A (kinesin family member 20A; plus strand). Cytogenetic location: 5q31.2.
Variant type: single nucleotide variant.
Coding change: c.1808G>A on transcript NM_005733.3 (MANE Select); coding-DNA position 1808, G replaced by A.
Protein change: p.Arg603Gln; replaces arginine 603 with glutamine.
Molecular consequence: missense variant.
Genome position (GRCh38, 1-based): chr5:138,184,931, G>A. VCF-style: chr5-138184931-G-A. GRCh37 (hg19) VCF-style: chr5-137520620-G-A.
Other names: short protein forms R603Q.
Identifiers: ClinVar variation 2182421 (VCV002182421.4), dbSNP rs564669414, ClinGen allele CA128186489.